The following is an entry in ClinVar:

ClinVar aggregate classification (germline): Pathogenic. Review status: criteria provided, multiple submitters, no conflicts (2 of 4 stars). 2 submissions from 2 submitters: Pathogenic (2). Last evaluated 2023-07-28.

Submissions (2):

GeneDx
Classification: Pathogenic. Last evaluated: 2023-07-28. Review status: criteria provided, single submitter. Criteria: GeneDx Variant Classification Process June 2021. Collection method: clinical testing. Allele origin: germline.
Comment: Reported in an individual with Mowat-Wilson syndrome in published literature (Dastot-Le Moal et al., 2007); Not observed at significant frequency in large population cohorts (gnomAD); Nonsense variant predicted to result in protein truncation or nonsense mediated decay in a gene for which loss of function is a known mechanism of disease; This variant is associated with the following publications: (PMID: 25525159, 17203459)

Eurofins Ntd Llc (ga)
Classification: Pathogenic. Last evaluated: 2015-05-26. Review status: criteria provided, single submitter. Criteria: EGL Classification Definitions 2015. Collection method: clinical testing. Allele origin: germline. Observed: 1 variant allele, 1 heterozygote.

NM_014795.4(ZEB2):c.980C>A (p.Ser327Ter)

Gene: ZEB2 (zinc finger E-box binding homeobox 2; minus strand). Cytogenetic location: 2q22.3.
Variant type: single nucleotide variant.
Coding change: c.980C>A on transcript NM_014795.4 (MANE Select); coding-DNA position 980, C replaced by A.
Protein change: p.Ser327Ter; replaces serine 327 with a stop codon.
Molecular consequence: nonsense.
Genome position (GRCh38, 1-based): chr2:144,400,207, G>T on the plus strand (C>A on the coding strand, the complement: ZEB2 is on the minus strand). VCF-style: chr2-144400207-G-T. GRCh37 (hg19) VCF-style: chr2-145157774-G-T.
Other names: c.908C>A, p.Ser303Ter (NM_001171653.2); short protein forms S327*, S303*.
Identifiers: ClinVar variation 198864 (VCV000198864.8), dbSNP rs756686919, ClinGen allele CA275436.